The following is an entry in ClinVar:

NM_024408.4(NOTCH2):c.4023G>A (p.Arg1341=)

Gene: NOTCH2 (notch receptor 2; minus strand). Cytogenetic location: 1p12.
Variant type: single nucleotide variant.
Coding change: c.4023G>A on transcript NM_024408.4 (MANE Select); coding-DNA position 4023, G replaced by A.
Protein change: p.Arg1341=; no amino-acid change (arginine 1341 retained).
Molecular consequence: synonymous variant.
Genome position (GRCh38, 1-based): chr1:119,925,793, C>T on the plus strand (G>A on the coding strand, the complement: NOTCH2 is on the minus strand). VCF-style: chr1-119925793-C-T. GRCh37 (hg19) VCF-style: chr1-120468416-C-T.
Other names: c.4023G>A (NM_024408.3).
Identifiers: ClinVar variation 2772635 (VCV002772635.4), dbSNP rs1043834394, ClinGen allele CA30319334.

ClinVar aggregate classification (germline): Likely benign. Review status: criteria provided, multiple submitters, no conflicts (2 of 4 stars). 2 submissions from 2 submitters: Likely benign (2). Last evaluated 2025-03-29.

Conditions:
Hajdu-Cheney syndrome (HJCYS). Also called: Acroosteolysis dominant type; ACROOSTEOLYSIS WITH OSTEOPOROSIS AND CHANGES IN SKULL AND MANDIBLE; SERPENTINE FIBULA-POLYCYSTIC KIDNEY SYNDROME. Identifiers: Orphanet 955, MedGen C0917715, MONDO:0007057, OMIM 102500.
NOTCH2-related disorder. Also called: NOTCH2-related condition.

Allele frequency attached by ClinVar (database versions not stated): gnomAD 0.00001.
gnomAD v4.1: 2 of 1,613,978 alleles (0.00012%); highest among the groups gnomAD compares: African/African-American, 0.0027%; no homozygotes.

Submissions (2):

PreventionGenetics, part of Exact Sciences
Classification: Likely benign for NOTCH2-related condition. Last evaluated: 2025-03-29. Review status: criteria provided, single submitter. Criteria: ACMG Guidelines, 2015. Collection method: clinical testing. Allele origin: germline.
Comment: This variant is classified as likely benign based on ACMG/AMP sequence variant interpretation guidelines (Richards et al. 2015 PMID: 25741868, with internal and published modifications).

Labcorp Genetics (formerly Invitae), Labcorp
Classification: Likely benign for Hajdu-Cheney syndrome. Last evaluated: 2023-05-23. Review status: criteria provided, single submitter. Criteria: Invitae Variant Classification Sherloc (09022015). Collection method: clinical testing. Allele origin: germline.